The following is an entry in ClinVar:

ClinVar aggregate classification (germline): Likely benign. Review status: criteria provided, multiple submitters, no conflicts (2 of 4 stars). 5 submissions from 5 submitters: Likely benign (5). Last evaluated 2024-11-27.

Conditions:
Familial thoracic aortic aneurysm and aortic dissection (TAAD). Also called: Thoracic aortic aneurysms and dissections. Identifiers: Orphanet 91387, MedGen C4707243, MONDO:0019625.
Aortic aneurysm, familial thoracic 4 (AAT4). Also called: AORTIC ANEURYSM/AORTIC DISSECTION AND PATENT DUCTUS ARTERIOSUS. Identifiers: MedGen C1851504, MONDO:0007568, OMIM 132900.

Allele frequency attached by ClinVar (database versions not stated): gnomAD exomes 0.00001; ExAC 0.00002; gnomAD 0.00002; TOPMed 0.00002.
gnomAD v4.1: 13 of 1,611,162 alleles (0.00081%); highest among the groups gnomAD compares: Non-Finnish European, 0.0011%; no homozygotes.

Submissions (5):

Labcorp Genetics (formerly Invitae), Labcorp
Classification: Likely benign for Aortic aneurysm, familial thoracic 4. Last evaluated: 2024-11-27. Review status: criteria provided, single submitter. Criteria: Invitae Variant Classification Sherloc (09022015). Collection method: clinical testing. Allele origin: germline.

All of Us Research Program, National Institutes of Health
Classification: Likely benign for Familial thoracic aortic aneurysm and aortic dissection. Last evaluated: 2024-02-05. Review status: criteria provided, single submitter. Criteria: ACMG Guidelines, 2015. Collection method: clinical testing. Allele origin: germline. Inheritance: Autosomal dominant inheritance. Observed: 3 variant alleles, 3 heterozygotes.
Comment: This study involves interpretation of variants in research participants for the purpose of population health screening. Participant phenotype was not available at the time of variant classification. Additional details can be found in publication PMID: 35346344, PMCID: PMC8962531

Color Diagnostics, LLC DBA Color Health
Classification: Likely benign for Familial thoracic aortic aneurysm and aortic dissection. Last evaluated: 2022-11-06. Review status: criteria provided, single submitter. Criteria: ACMG Guidelines, 2015. Collection method: clinical testing. Allele origin: germline.

Ambry Genetics
Classification: Likely benign for Familial thoracic aortic aneurysm and aortic dissection. Last evaluated: 2020-06-03. Review status: criteria provided, single submitter. Criteria: Ambry Variant Classification Scheme 2023. Collection method: clinical testing. Allele origin: germline.

GeneDx
Classification: Likely benign. Last evaluated: 2019-04-04. Review status: criteria provided, single submitter. Criteria: GeneDx Variant Classification Process June 2021. Collection method: clinical testing. Allele origin: germline. Affected: yes.

NM_002474.3(MYH11):c.5328G>A (p.Glu1776=)

Genes: MYH11 (myosin heavy chain 11; minus strand), NDE1 (nudE neurodevelopment protein 1; plus strand). Cytogenetic location: 16p13.11.
Variant type: single nucleotide variant.
Coding change: c.5328G>A on transcript NM_002474.3 (MANE Select); coding-DNA position 5328, G replaced by A.
Protein change: p.Glu1776=; no amino-acid change (glutamic acid 1776 retained).
Molecular consequence: synonymous variant. On other transcripts: intron variant (2).
Genome position (GRCh38, 1-based): chr16:15,717,316, C>T on the plus strand (G>A on the coding strand, the complement: MYH11 is on the minus strand). VCF-style: chr16-15717316-C-T. GRCh37 (hg19) VCF-style: chr16-15811173-C-T.
Other names: c.5349G>A, p.Glu1783= (NM_001040113.2, NM_001040114.2); c.5328G>A, p.Glu1776= (NM_022844.3); c.948-6875C>T (NM_001143979.2, NM_017668.3).
Identifiers: ClinVar variation 517983 (VCV000517983.15), dbSNP rs773366562, ClinGen allele CA7921302.